The following is an entry in ClinVar:

ClinVar aggregate classification (germline): Conflicting classifications of pathogenicity. Review status: criteria provided, conflicting classifications (1 of 4 stars). 6 submissions from 6 submitters: Uncertain significance (2); Benign (1); Likely benign (3). Last evaluated 2025-03-26.

Conditions:
Hereditary cancer-predisposing syndrome. Also called: Tumor predisposition; Hereditary neoplastic syndrome; Neoplastic Syndromes, Hereditary; Hereditary Cancer Syndrome. Identifiers: Orphanet 140162, MedGen C0027672, MeSH D009386, MONDO:0015356.
Peutz-Jeghers syndrome (PJS). Also called: Peutz-Jeghers polyposis; Periorificial lentiginosis syndrome; POLYPOSIS, HAMARTOMATOUS INTESTINAL; POLYPS-AND-SPOTS SYNDROME. Identifiers: Orphanet 2869, MedGen C0031269, MeSH D010580, MONDO:0008280, OMIM 175200.

Allele frequency attached by ClinVar (database versions not stated): gnomAD 0.00001; gnomAD exomes 0.00001.
gnomAD v4.1: 20 of 1,451,904 alleles (0.0014%); highest among the groups gnomAD compares: Non-Finnish European, 0.0017%; no homozygotes.

Submissions (6):

Myriad Genetics, Inc.
Classification: Benign for Peutz-Jeghers syndrome. Last evaluated: 2025-03-26. Review status: criteria provided, single submitter. Criteria: Myriad Autosomal Dominant, Autosomal Recessive and X-Linked Classification Criteria (2023). Collection method: clinical testing. Allele origin: unknown.
Comment: This variant is considered benign. This variant is a silent/synonymous amino acid change and it is not expected to impact splicing.

Labcorp Genetics (formerly Invitae), Labcorp
Classification: Likely benign for Peutz-Jeghers syndrome. Last evaluated: 2025-01-19. Review status: criteria provided, single submitter. Criteria: Invitae Variant Classification Sherloc (09022015). Collection method: clinical testing. Allele origin: germline.

All of Us Research Program, National Institutes of Health
Classification: Uncertain significance for Peutz-Jeghers syndrome. Last evaluated: 2024-04-10. Review status: criteria provided, single submitter. Criteria: ACMG Guidelines, 2015. Collection method: clinical testing. Allele origin: germline. Inheritance: Autosomal dominant inheritance. Observed: 1 variant allele, 1 heterozygote.
Comment: This synonymous variant does not change the amino acid sequence of the STK11 protein, but it causes an A to G substitution in exon 3 of the STK11 gene. Splice site prediction tools suggest that this variant may create a splice donor site. However, this prediction has not been confirmed in published RNA studies. This variant has not been reported in individuals affected with hereditary cancer in the literature. This variant has been identified in 2/245446 chromosomes in the general population by the Genome Aggregation Database (gnomAD). The available evidence is insufficient to determine the role of this variant in disease conclusively. Therefore, this variant is classified as a Variant of Uncertain Significance.

This study involves interpretation of variants in research participants for the purpose of population health screening. Participant phenotype was not available at the time of variant classification. Additional details can be found in publication PMID: 35346344, PMCID: PMC8962531

Color Diagnostics, LLC DBA Color Health
Classification: Likely benign for Hereditary cancer-predisposing syndrome. Last evaluated: 2023-12-05. Review status: criteria provided, single submitter. Criteria: ACMG Guidelines, 2015. Collection method: clinical testing. Allele origin: germline.

Genome-Nilou Lab
Classification: Uncertain significance for Peutz-Jeghers syndrome. Last evaluated: 2021-07-15. Review status: criteria provided, single submitter. Criteria: ACMG Guidelines, 2015. Collection method: clinical testing. Allele origin: germline. Affected: no.

Ambry Genetics
Classification: Likely benign for Hereditary cancer-predisposing syndrome. Last evaluated: 2019-10-03. Review status: criteria provided, single submitter. Criteria: Ambry Variant Classification Scheme 2023. Collection method: clinical testing. Allele origin: germline.

NM_000455.5(STK11):c.447A>G (p.Pro149=)

Gene: STK11 (serine/threonine kinase 11; plus strand). Cytogenetic location: 19p13.3.
Variant type: single nucleotide variant.
Coding change: c.447A>G on transcript NM_000455.5 (MANE Select); coding-DNA position 447, A replaced by G.
Protein change: p.Pro149=; no amino-acid change (proline 149 retained).
Molecular consequence: synonymous variant.
Genome position (GRCh38, 1-based): chr19:1,219,396, A>G. VCF-style: chr19-1219396-A-G. GRCh37 (hg19) VCF-style: chr19-1219395-A-G.
Identifiers: ClinVar variation 135922 (VCV000135922.20), dbSNP rs587780718, ClinGen allele CA022954.